The following is an entry in ClinVar:

NM_022841.7(RFX7):c.3650ACA[1] (p.Asn1218del)

Gene: RFX7 (regulatory factor X7; minus strand). Cytogenetic location: 15q21.3.
Variant type: Microsatellite.
Coding change: c.3650ACA[1] on transcript NM_022841.7 (MANE Select); one copy of the 3-base unit ACA starting at c.3650; the reference has two copies in a row; one copy, 3 bases deleted.
Protein change: p.Asn1218del; deletes asparagine 1218.
Molecular consequence: inframe deletion.
Genome position (GRCh38, 1-based): chr15:56,094,073-56,094,075, TGT deleted on the plus strand (ACA on the coding strand, the reverse complement: RFX7 is on the minus strand); deleting any 3 consecutive bases within chr15:56,094,073-56,094,080 gives the same sequence; the position shown is the placement nearest the transcript's 3' end. VCF-style (leftmost placement, unchanged base first): chr15-56094072-ATGT-A. GRCh37 (hg19) VCF-style: chr15-56386270-ATGT-A.
Other names: c.3359ACA[1], p.Asn1121del (NM_001368073.2, NM_001368074.1, NM_001370554.1); c.3650ACA[1], p.Asn1218del (NM_001370561.1); short protein forms N1121del, N1218del.
Identifiers: ClinVar variation 4074322 (VCV004074322.1).

ClinVar aggregate classification (germline): Uncertain significance (1 of 4 stars; one submission).

Submission:

GeneDx
Classification: Uncertain significance. Last evaluated: 2025-02-10. Review status: criteria provided, single submitter. Criteria: GeneDx Variant Classification Process June 2021. Collection method: clinical testing. Allele origin: germline. Affected: yes.
Comment: In-frame deletion of 1 amino acid(s) in a non-repeat region; Not observed at significant frequency in large population cohorts (gnomAD); In silico analysis supports a deleterious effect on protein structure/function; Has not been previously published as pathogenic or benign to our knowledge